The following is an entry in ClinVar:

NM_000384.3(APOB):c.1352+435T>A

Gene: APOB (apolipoprotein B; minus strand). Cytogenetic location: 2p24.1.
Variant type: single nucleotide variant.
Coding change: c.1352+435T>A on transcript NM_000384.3 (MANE Select); 435 bases into the intron after coding-DNA position 1352, T replaced by A.
Molecular consequence: intron variant.
Genome position (GRCh38, 1-based): chr2:21,031,919, A>T on the plus strand (T>A on the coding strand, the complement: APOB is on the minus strand). VCF-style: chr2-21031919-A-T. GRCh37 (hg19) VCF-style: chr2-21254791-A-T.
Identifiers: ClinVar variation 4851758 (VCV004851758.1).

ClinVar aggregate classification (germline): Uncertain significance (1 of 4 stars; one submission).

gnomAD v4.1: 1 of 152,170 alleles (0.00066%); highest among the groups gnomAD compares: Non-Finnish European, 0.0015%; no homozygotes.

Submission:

Greenwood Genetic Center Diagnostic Laboratories, Greenwood Genetic Center
Classification: Uncertain significance. Last evaluated: 2025-01-23. Review status: criteria provided, single submitter. Criteria: ACMG Guidelines, 2015. Collection method: clinical testing. Allele origin: germline.
Comment: PM2, BP4